The following is an entry in ClinVar:

NM_016169.4(SUFU):c.1333G>A (p.Glu445Lys)

Gene: SUFU (SUFU negative regulator of hedgehog signaling; plus strand). Cytogenetic location: 10q24.32.
Variant type: single nucleotide variant.
Coding change: c.1333G>A on transcript NM_016169.4 (MANE Select); coding-DNA position 1333, G replaced by A.
Protein change: p.Glu445Lys; replaces glutamic acid 445 with lysine.
Molecular consequence: missense variant.
Genome position (GRCh38, 1-based): chr10:102,627,211, G>A. VCF-style: chr10-102627211-G-A. GRCh37 (hg19) VCF-style: chr10-104386968-G-A.
Other names: short protein forms E445K.
Identifiers: ClinVar variation 3240555 (VCV003240555.3), dbSNP rs556707582.

ClinVar aggregate classification (germline): Conflicting classifications of pathogenicity. Review status: criteria provided, conflicting classifications (1 of 4 stars). 3 submissions from 3 submitters: Uncertain significance (2); Benign (1). Last evaluated 2025-07-24.

Conditions:
Hereditary cancer-predisposing syndrome. Also called: Hereditary Cancer Syndrome; Tumor predisposition; Neoplastic Syndromes, Hereditary; Hereditary neoplastic syndrome. Identifiers: Orphanet 140162, MedGen C0027672, MeSH D009386, MONDO:0015356.
Gorlin syndrome. Also called: Nevoid Basal Cell Carcinoma Syndrome; Basal cell nevus syndrome. Identifiers: Orphanet 377, MedGen C0004779, MONDO:0007187.
Medulloblastoma (MDB). Also called: Medulloblastoma, somatic; MEDULLOBLASTOMA PREDISPOSITION SYNDROME. Identifiers: Orphanet 616, MedGen C0025149, MeSH D008527, MONDO:0007959, OMIM 155255, HP:0002885.
Familial meningioma. Also called: Meningioma, familial, susceptibility to. Identifiers: Orphanet 263662, MedGen C3551915, MONDO:0011789, OMIM 607174.

Allele frequency attached by ClinVar (database versions not stated): gnomAD 0.00001; gnomAD exomes 0.00001; ExAC 0.00002; 1000 Genomes Project 0.00020; 1000 Genomes Project 30x 0.00031.
gnomAD v4.1: 9 of 1,614,254 alleles (0.00056%); highest among the groups gnomAD compares: South Asian, 0.0099%; no homozygotes.

Submissions (3):

Labcorp Genetics (formerly Invitae), Labcorp
Classification: Uncertain significance for Gorlin syndrome; Medulloblastoma. Last evaluated: 2025-07-24. Review status: criteria provided, single submitter. Criteria: Invitae Variant Classification Sherloc (09022015). Collection method: clinical testing. Allele origin: germline.
Comment: This sequence change replaces glutamic acid, which is acidic and polar, with lysine, which is basic and polar, at codon 445 of the SUFU protein (p.Glu445Lys). This variant is present in population databases (rs556707582, gnomAD 0.02%). This variant has not been reported in the literature in individuals affected with SUFU-related conditions. ClinVar contains an entry for this variant (Variation ID: 3240555). Invitae Evidence Modeling of protein sequence and biophysical properties (such as structural, functional, and spatial information, amino acid conservation, physicochemical variation, residue mobility, and thermodynamic stability) indicates that this missense variant is not expected to disrupt SUFU protein function with a negative predictive value of 80%. In summary, the available evidence is currently insufficient to determine the role of this variant in disease. Therefore, it has been classified as a Variant of Uncertain Significance.

Ambry Genetics
Classification: Benign for Hereditary cancer-predisposing syndrome. Last evaluated: 2024-10-25. Review status: criteria provided, single submitter. Criteria: Ambry Variant Classification Scheme 2023. Collection method: clinical testing. Allele origin: germline.

Baylor Genetics
Classification: Uncertain significance for Familial meningioma. Last evaluated: 2024-02-19. Review status: criteria provided, single submitter. Criteria: ACMG Guidelines, 2015. Collection method: clinical testing. Allele origin: unknown.